The following is an entry in ClinVar:

NM_001853.4(COL9A3):c.235C>T (p.Pro79Ser)

Gene: COL9A3 (collagen type IX alpha 3 chain; plus strand). Cytogenetic location: 20q13.33.
Variant type: single nucleotide variant.
Coding change: c.235C>T on transcript NM_001853.4 (MANE Select); coding-DNA position 235, C replaced by T.
Protein change: p.Pro79Ser; replaces proline 79 with serine.
Molecular consequence: missense variant.
Genome position (GRCh38, 1-based): chr20:62,819,273, C>T. VCF-style: chr20-62819273-C-T. GRCh37 (hg19) VCF-style: chr20-61450625-C-T.
Other names: short protein forms P79S.
Identifiers: ClinVar variation 3623556 (VCV003623556.2).
Genomic context (GRCh38, chr20:62,819,273, plus strand): 5'-CCTGCACAGGGACCAAAGGGGGCCCCAGGAAAGCCGGGGAAACCAGGAGAGGCTGGGCTG[C>T]CGGGACTGCCGGGTGTGGATGTGAGTGCGCCTGCCCCTCCCCGCCATGCCCCACTCCCCG-3'
Protein context (NP_001844.3, residues 69-89): KPGKPGEAGL[Pro79Ser]GLPGVDGLTG

ClinVar aggregate classification (germline): Uncertain significance (1 of 4 stars; one submission).

Submission:

Labcorp Genetics (formerly Invitae), Labcorp
Classification: Uncertain significance. Last evaluated: 2024-08-05. Review status: criteria provided, single submitter. Criteria: Invitae Variant Classification Sherloc (09022015). Collection method: clinical testing. Allele origin: germline.
Comment: This sequence change replaces proline, which is neutral and non-polar, with serine, which is neutral and polar, at codon 79 of the COL9A3 protein (p.Pro79Ser). The frequency data for this variant in the population databases is considered unreliable, as metrics indicate poor data quality at this position in the gnomAD database. This variant has not been reported in the literature in individuals affected with COL9A3-related conditions. Advanced modeling of protein sequence and biophysical properties (such as structural, functional, and spatial information, amino acid conservation, physicochemical variation, residue mobility, and thermodynamic stability) performed at Invitae indicates that this missense variant is not expected to disrupt COL9A3 protein function with a negative predictive value of 95%. In summary, the available evidence is currently insufficient to determine the role of this variant in disease. Therefore, it has been classified as a Variant of Uncertain Significance.